The following is an entry in ClinVar:

ClinVar aggregate classification (germline): Uncertain significance (1 of 4 stars; one submission).

gnomAD v4.1: 1 of 1,614,026 alleles (0.000062%); highest among the groups gnomAD compares: Middle Eastern, 0.016%; no homozygotes.

Submission:

GeneDx
Classification: Uncertain significance. Last evaluated: 2024-06-12. Review status: criteria provided, single submitter. Criteria: GeneDx Variant Classification Process June 2021. Collection method: clinical testing. Allele origin: germline. Affected: yes.
Comment: Not observed at significant frequency in large population cohorts (gnomAD); In silico analysis indicates that this missense variant does not alter protein structure/function; Has not been previously published as pathogenic or benign to our knowledge

NM_003922.4(HERC1):c.10163C>T (p.Ala3388Val)

Gene: HERC1 (HECT and RLD domain containing E3 ubiquitin protein ligase family member 1; minus strand). Cytogenetic location: 15q22.31.
Variant type: single nucleotide variant.
Coding change: c.10163C>T on transcript NM_003922.4 (MANE Select); coding-DNA position 10163, C replaced by T.
Protein change: p.Ala3388Val; replaces alanine 3388 with valine.
Molecular consequence: missense variant.
Genome position (GRCh38, 1-based): chr15:63,654,246, G>A on the plus strand (C>T on the coding strand, the complement: HERC1 is on the minus strand). VCF-style: chr15-63654246-G-A. GRCh37 (hg19) VCF-style: chr15-63946445-G-A.
Other names: short protein forms A3388V.
Identifiers: ClinVar variation 1315911 (VCV001315911.3), dbSNP rs2152902683, ClinGen allele CA392754949.